The following is an entry in ClinVar:

NM_001009944.3(PKD1):c.9862_9864del (p.Ile3288del)

Gene: PKD1 (polycystin 1, transient receptor potential channel interacting; minus strand). Cytogenetic location: 16p13.3.
Variant type: Deletion.
Coding change: c.9862_9864del on transcript NM_001009944.3 (MANE Select); coding-DNA positions 9862 to 9864, 3 bases deleted (ATC; older notation c.9862_9864delATC).
Protein change: p.Ile3288del; deletes isoleucine 3288.
Molecular consequence: inframe deletion.
Genome position (GRCh38, 1-based): chr16:2,099,920-2,099,922, GAT deleted on the plus strand (ATC on the coding strand, the reverse complement: PKD1 is on the minus strand); deleting any 3 consecutive bases within chr16:2,099,920-2,099,924 gives the same sequence; the c. name uses the placement nearest the transcript's 3' end. VCF-style (leftmost placement, unchanged base first): chr16-2099919-AGAT-A. GRCh37 (hg19) VCF-style: chr16-2149920-AGAT-A.
Other names: c.9862_9864del, p.Ile3288del (NM_000296.4); short protein forms I3288del.
Identifiers: ClinVar variation 5038251 (VCV005038251.1).

ClinVar aggregate classification (germline): Uncertain significance (1 of 4 stars; one submission).

Conditions:
Polycystic kidney disease, adult type (PKD1). Also called: Polycystic Kidney Disease 1, Autosomal Dominant; POLYCYSTIC KIDNEY DISEASE, ADULT, TYPE I; Polycystic kidney disease 1; Polycystic kidney disease 1, severe; POLYCYSTIC KIDNEY DISEASE 1 WITH OR WITHOUT POLYCYSTIC LIVER DISEASE; Polycystic Kidney, Autosomal Dominant. Identifiers: MedGen C3149841, MONDO:0008263, OMIM 173900.

Submission:

MVZ Medizinische Genetik Mainz
Classification: Uncertain significance for Polycystic kidney disease, adult type. Last evaluated: 2026-07-22. Review status: criteria provided, single submitter. Criteria: UK Practice Guidelines For Variant Classification V4 01 2020. Collection method: clinical testing. Allele origin: germline. Inheritance: Autosomal dominant inheritance. Affected: yes. Observed: 1 variant allele.
Comment: ACMG Criteria: PM4,PM2_SUP,PP3,PP4